The following is an entry in ClinVar:

ClinVar aggregate classification (germline): Uncertain significance (1 of 4 stars; one submission).

Conditions:
Nance-Horan syndrome (NHS). Identifiers: Orphanet 627, MedGen C0796085, MONDO:0010545, OMIM 302350.

Submission:

Labcorp Genetics (formerly Invitae), Labcorp
Classification: Uncertain significance for Nance-Horan syndrome. Last evaluated: 2024-06-05. Review status: criteria provided, single submitter. Criteria: Invitae Variant Classification Sherloc (09022015). Collection method: clinical testing. Allele origin: germline.
Comment: This sequence change falls in intron 1 of the NHS gene. It does not directly change the encoded amino acid sequence of the NHS protein. It affects a nucleotide within the consensus splice site. This variant is not present in population databases (gnomAD no frequency). This variant has not been reported in the literature in individuals affected with NHS-related conditions. Variants that disrupt the consensus splice site are a relatively common cause of aberrant splicing (PMID: 17576681, 9536098). Algorithms developed to predict the effect of sequence changes on RNA splicing suggest that this variant may disrupt the consensus splice site. In summary, the available evidence is currently insufficient to determine the role of this variant in disease. Therefore, it has been classified as a Variant of Uncertain Significance.

Literature cited by the submitters: PubMed 17576681; PubMed 9536098.

NM_001291867.2(NHS):c.565+5G>C

Gene: NHS (NHS actin remodeling regulator; plus strand). Cytogenetic location: Xp22.2.
Variant type: single nucleotide variant.
Coding change: c.565+5G>C on transcript NM_001291867.2 (MANE Select); 5 bases into the intron after coding-DNA position 565, G replaced by C.
Molecular consequence: intron variant.
Genome position (GRCh38, 1-based): chrX:17,376,327, G>C. VCF-style: chrX-17376327-G-C. GRCh37 (hg19) VCF-style: chrX-17394450-G-C.
Other names: c.565+5G>C (NM_198270.4).
Identifiers: ClinVar variation 3650451 (VCV003650451.2).
Genomic context (GRCh38, chrX:17,376,327, plus strand): 5'-GCTCGGCGGCGTGCAGCGCGTCCTCAGCACGCTTGACCCTAAGCAGGAGGCAGTGCGTGA[G>C]TACCCGCGCCGTCCGCCCGCCAGGCTATGGGTTTCTGCGCCGCACCCTCGCGCCCTCCCC-3'